The following is an entry in ClinVar:

ClinVar aggregate classification (germline): Uncertain significance (0 of 4 stars; one submission).

Conditions:
RAI1-related disorder. Also called: RAI1-related condition.

Submission:

PreventionGenetics, part of Exact Sciences
Classification: Uncertain significance for RAI1-related condition. Last evaluated: 2023-11-20. Review status: no assertion criteria provided. Collection method: clinical testing. Allele origin: germline.
Comment: The RAI1 c.2095C>A variant is predicted to result in the amino acid substitution p.Pro699Thr. To our knowledge, this variant has not been reported in the literature. This variant is reported in 0.0092% of alleles in individuals of European (Finnish) descent in gnomAD. At this time, the clinical significance of this variant is uncertain due to the absence of conclusive functional and genetic evidence.

NM_030665.4(RAI1):c.2095C>A (p.Pro699Thr)

Gene: RAI1 (retinoic acid induced 1; plus strand). Cytogenetic location: 17p11.2.
Variant type: single nucleotide variant.
Coding change: c.2095C>A on transcript NM_030665.4 (MANE Select); coding-DNA position 2095, C replaced by A.
Protein change: p.Pro699Thr; replaces proline 699 with threonine.
Molecular consequence: missense variant.
Genome position (GRCh38, 1-based): chr17:17,795,043, C>A. VCF-style: chr17-17795043-C-A. GRCh37 (hg19) VCF-style: chr17-17698357-C-A.
Other names: short protein forms P699T.
Identifiers: ClinVar variation 3349259 (VCV003349259.1).
Genomic context (GRCh38, chr17:17,795,043, plus strand): 5'-GCCAAGGACTTCAGCCCAGGGCTGTTTGAAGACCCTTCCGTGGCCTTCGCTACGCCTGAC[C>A]CCAAAAAGACAACTGGTCCTCTCTCCTTTGGTACCAAGCCCACCCTTGGGGTTCCTGCTC-3'
Protein context (NP_109590.3, residues 689-709): DPSVAFATPD[Pro699Thr]KKTTGPLSFG